The following is an entry in ClinVar:

ClinVar aggregate classification (germline): Uncertain significance (1 of 4 stars; one submission).

Conditions:
Familial acute necrotizing encephalopathy (IIAE3). Also called: ENCEPHALOPATHY, ACUTE, INFECTION-INDUCED, SUSCEPTIBILITY TO, 3; Susceptibility to Acute Necrotizing Encephalopathy 1. Identifiers: Orphanet 88619, MedGen C2675556, MONDO:0011953, OMIM 608033.

gnomAD v4.1: 3 of 1,610,352 alleles (0.00019%); highest among the groups gnomAD compares: Non-Finnish European, 0.00025%; no homozygotes.

Submission:

Labcorp Genetics (formerly Invitae), Labcorp
Classification: Uncertain significance for Familial acute necrotizing encephalopathy. Last evaluated: 2021-04-27. Review status: criteria provided, single submitter. Criteria: Invitae Variant Classification Sherloc (09022015). Collection method: clinical testing. Allele origin: germline.
Comment: In summary, the available evidence is currently insufficient to determine the role of this variant in disease. Therefore, it has been classified as a Variant of Uncertain Significance. Algorithms developed to predict the effect of missense changes on protein structure and function output the following: SIFT: "Deleterious"; PolyPhen-2: "Benign"; Align-GVGD: "Class C65". The asparagine amino acid residue is found in multiple mammalian species, suggesting that this missense change does not adversely affect protein function. These predictions have not been confirmed by published functional studies and their clinical significance is uncertain. This variant has not been reported in the literature in individuals with RANBP2-related conditions. This variant is not present in population databases (ExAC no frequency). This sequence change replaces lysine with asparagine at codon 619 of the RANBP2 protein (p.Lys619Asn). The lysine residue is highly conserved and there is a moderate physicochemical difference between lysine and asparagine.

NM_006267.5(RANBP2):c.1857G>C (p.Lys619Asn)

Gene: RANBP2 (RAN binding protein 2; plus strand). Cytogenetic location: 2q13.
Variant type: single nucleotide variant.
Coding change: c.1857G>C on transcript NM_006267.5 (MANE Select); coding-DNA position 1857, G replaced by C.
Protein change: p.Lys619Asn; replaces lysine 619 with asparagine.
Molecular consequence: missense variant.
Genome position (GRCh38, 1-based): chr2:108,753,099, G>C. VCF-style: chr2-108753099-G-C. GRCh37 (hg19) VCF-style: chr2-109369555-G-C.
Other names: short protein forms K619N.
Identifiers: ClinVar variation 1515663 (VCV001515663.9), dbSNP rs2149230328, ClinGen allele CA348051800.
Genomic context (GRCh38, chr2:108,753,099, plus strand): 5'-AGGGAGAAGTGTTCATTATTGGAAGAAAGTTTTGCCATTGTTGAAGATAATAAAAAAGAA[G>C]AACAGTATTCCTGAACCTATTGATCCTCTGTTTAAACATTTTCATAGTGTAGACATTCAG-3'
Protein context (NP_006258.3, residues 609-629): VLPLLKIIKK[Lys619Asn]NSIPEPIDPL